The following is an entry in ClinVar:

NM_025257.3(SLC44A4):c.943G>A (p.Val315Met)

Gene: SLC44A4 (solute carrier family 44 member 4; minus strand). Cytogenetic location: 6p21.33.
Variant type: single nucleotide variant.
Coding change: c.943G>A on transcript NM_025257.3 (MANE Select); coding-DNA position 943, G replaced by A.
Protein change: p.Val315Met; replaces valine 315 with methionine.
Molecular consequence: missense variant.
Genome position (GRCh38, 1-based): chr6:31,870,697, C>T on the plus strand (G>A on the coding strand, the complement: SLC44A4 is on the minus strand). VCF-style: chr6-31870697-C-T. GRCh37 (hg19) VCF-style: chr6-31838474-C-T.
Other names: c.817G>A, p.Val273Met (NM_001178044.2); c.715G>A, p.Val239Met (NM_001178045.2); c.943G>A, p.Val315Met (NM_032794.1); short protein forms V239M, V315M, V273M.
Identifiers: ClinVar variation 1923579 (VCV001923579.5), dbSNP rs149824010, ClinGen allele CA3725532.

ClinVar aggregate classification (germline): Uncertain significance (1 of 4 stars; one submission).

Allele frequency attached by ClinVar (database versions not stated): TOPMed 0.00002; gnomAD exomes 0.00003; ExAC 0.00004; gnomAD 0.00004; ESP Exome Variant Server 0.00012.
gnomAD v4.1: 48 of 1,611,462 alleles (0.003%); highest among the groups gnomAD compares: East Asian, 0.06%; no homozygotes.

Submission:

Labcorp Genetics (formerly Invitae), Labcorp
Classification: Uncertain significance. Last evaluated: 2022-01-28. Review status: criteria provided, single submitter. Criteria: Invitae Variant Classification Sherloc (09022015). Collection method: clinical testing. Allele origin: germline.
Comment: In summary, the available evidence is currently insufficient to determine the role of this variant in disease. Therefore, it has been classified as a Variant of Uncertain Significance. Algorithms developed to predict the effect of missense changes on protein structure and function are either unavailable or do not agree on the potential impact of this missense change (SIFT: "Not Available"; PolyPhen-2: "Benign"; Align-GVGD: "Not Available"). This variant has not been reported in the literature in individuals affected with SLC44A4-related conditions. This variant is present in population databases (rs149824010, gnomAD 0.01%). This sequence change replaces valine, which is neutral and non-polar, with methionine, which is neutral and non-polar, at codon 315 of the SLC44A4 protein (p.Val315Met).